The following is an entry in ClinVar:

NM_020436.5(SALL4):c.1250A>G (p.His417Arg)

Gene: SALL4 (spalt like transcription factor 4; minus strand). Cytogenetic location: 20q13.2.
Variant type: single nucleotide variant.
Coding change: c.1250A>G on transcript NM_020436.5 (MANE Select); coding-DNA position 1250, A replaced by G.
Protein change: p.His417Arg; replaces histidine 417 with arginine.
Molecular consequence: missense variant. On other transcripts: intron variant (1).
Genome position (GRCh38, 1-based): chr20:51,791,233, T>C on the plus strand (A>G on the coding strand, the complement: SALL4 is on the minus strand). VCF-style: chr20-51791233-T-C. GRCh37 (hg19) VCF-style: chr20-50407772-T-C.
Other names: c.1150+100A>G (NM_001318031.2); short protein forms H417R.
Identifiers: ClinVar variation 3393600 (VCV003393600.1).

ClinVar aggregate classification (germline): Uncertain significance (1 of 4 stars; one submission).

gnomAD v4.1: 2 of 1,614,060 alleles (0.00012%); highest among the groups gnomAD compares: Non-Finnish European, 0.00017%; no homozygotes.

Submission:

GeneDx
Classification: Uncertain significance. Last evaluated: 2024-07-01. Review status: criteria provided, single submitter. Criteria: GeneDx Variant Classification Process June 2021. Collection method: clinical testing. Allele origin: germline. Affected: yes.
Comment: Not observed at significant frequency in large population cohorts (gnomAD); In silico analysis indicates that this missense variant does not alter protein structure/function; Has not been previously published as pathogenic or benign to our knowledge